The following is an entry in ClinVar:

ClinVar aggregate classification (germline): Uncertain significance (1 of 4 stars; one submission).

Conditions:
Mucopolysaccharidosis, MPS-IV-A (MPS4A). Also called: Mucopolysaccharidosis type IV A; Mucopolysaccharidosis Type IVA; Morquio syndrome A, mild; MORQUIO SYNDROME A; MPS IVA; mucopolysaccharidosis type 4A. Identifiers: Orphanet 309297, Orphanet 582, MedGen C0086651, MONDO:0009659, OMIM 253000.

Allele frequency attached by ClinVar (database versions not stated): gnomAD exomes below 0.00001.
gnomAD v4.1: 1 of 1,613,898 alleles (0.000062%); highest among the groups gnomAD compares: South Asian, 0.0011%; no homozygotes.

Submission:

Laboratory of Diagnosis and Therapy of Lysosomal Disorders, University of Padova
Classification: Uncertain significance for Mucopolysaccharidosis, MPS-IV-A. Last evaluated: 2021-02-01. Review status: criteria provided, single submitter. Criteria: ACMG Guidelines, 2015. Collection method: curation. Allele origin: germline. Affected: yes.
Comment: Absent from gnomAD v2.1.1 (PM2_moderate)

Literature cited by the submitters: PubMed 24035930; PubMed 34387910.

NM_000512.5(GALNS):c.530A>G (p.Asn177Ser)

Gene: GALNS (galactosamine (N-acetyl)-6-sulfatase; minus strand). Cytogenetic location: 16q24.3.
Variant type: single nucleotide variant.
Coding change: c.530A>G on transcript NM_000512.5 (MANE Select); coding-DNA position 530, A replaced by G.
Protein change: p.Asn177Ser; replaces asparagine 177 with serine.
Molecular consequence: missense variant. On other transcripts: 5 prime UTR variant (1).
Genome position (GRCh38, 1-based): chr16:88,837,658, T>C on the plus strand (A>G on the coding strand, the complement: GALNS is on the minus strand). VCF-style: chr16-88837658-T-C. GRCh37 (hg19) VCF-style: chr16-88904066-T-C.
Other names: c.-26A>G (NM_001323543.2); c.548A>G, p.Asn183Ser (NM_001323544.2); short protein forms N177S, N183S.
Identifiers: ClinVar variation 1048285 (VCV001048285.3), dbSNP rs2143002347, ClinGen allele CA397082753.